The following is an entry in ClinVar:

ClinVar aggregate classification (germline): Pathogenic/Likely pathogenic. Review status: criteria provided, multiple submitters, no conflicts (2 of 4 stars). 2 submissions from 2 submitters: Pathogenic (1); Likely pathogenic (1). Last evaluated 2025-02-06.

Conditions:
Glycogen storage disease IXb (GSD9B). Also called: GLYCOGENOSIS OF LIVER AND MUSCLE, AUTOSOMAL RECESSIVE; GSD IXb; PHOSPHORYLASE KINASE DEFICIENCY OF LIVER AND MUSCLE, AUTOSOMAL RECESSIVE. Identifiers: Orphanet 79240, MedGen C0543514, MONDO:0009868, OMIM 261750.

Allele frequency attached by ClinVar (database versions not stated): TOPMed below 0.00001; gnomAD 0.00001; gnomAD exomes 0.00001; ExAC 0.00002.
gnomAD v4.1: 10 of 1,614,078 alleles (0.00062%); highest among the groups gnomAD compares: Non-Finnish European, 0.00085%; no homozygotes.

Submissions (2):

Labcorp Genetics (formerly Invitae), Labcorp
Classification: Pathogenic for Glycogen storage disease IXb. Last evaluated: 2025-02-06. Review status: criteria provided, single submitter. Criteria: Invitae Variant Classification Sherloc (09022015). Collection method: clinical testing. Allele origin: germline.
Comment: This sequence change creates a premature translational stop signal (p.Gln909*) in the PHKB gene. It is expected to result in an absent or disrupted protein product. Loss-of-function variants in PHKB are known to be pathogenic (PMID: 9215682, 9326319). This variant is present in population databases (rs748262135, gnomAD 0.003%). This variant has not been reported in the literature in individuals affected with PHKB-related conditions. ClinVar contains an entry for this variant (Variation ID: 620209). For these reasons, this variant has been classified as Pathogenic.

GeneDx
Classification: Likely pathogenic. Last evaluated: 2018-05-31. Review status: criteria provided, single submitter. Criteria: GeneDx Variant Classification (06012015). Collection method: clinical testing. Allele origin: germline. Affected: yes.
Comment: The Q909X variant in the PHKB gene has not been reported previously as a pathogenic variant nor as a benign variant, to our knowledge. This variant is predicted to cause loss of normal protein function either through protein truncation or nonsense-mediated mRNA decay. The Q909X variant is not observed at a significant frequency in large population cohorts (Lek et al., 2016). We interpret Q909X as a likely pathogenic variant.

Literature cited by the submitters: PubMed 9215682 (cited by Labcorp Genetics (formerly Invitae), Labcorp); PubMed 9326319 (cited by Labcorp Genetics (formerly Invitae), Labcorp).

NM_000293.3(PHKB):c.2725C>T (p.Gln909Ter)

Gene: PHKB (phosphorylase kinase regulatory subunit beta; plus strand). Cytogenetic location: 16q12.1.
Variant type: single nucleotide variant.
Coding change: c.2725C>T on transcript NM_000293.3 (MANE Select); coding-DNA position 2725, C replaced by T.
Protein change: p.Gln909Ter; replaces glutamine 909 with a stop codon.
Molecular consequence: nonsense.
Genome position (GRCh38, 1-based): chr16:47,689,135, C>T. VCF-style: chr16-47689135-C-T. GRCh37 (hg19) VCF-style: chr16-47723046-C-T.
Other names: c.2704C>T, p.Gln902Ter (NM_001031835.3); c.2725C>T, p.Gln909Ter (NM_001363837.1); short protein forms Q909*, Q902*.
Identifiers: ClinVar variation 620209 (VCV000620209.4), dbSNP rs748262135, ClinGen allele CA8041319.